The following is an entry in ClinVar:

NM_001130438.3(SPTAN1):c.1099C>T (p.Leu367Phe)

Gene: SPTAN1 (spectrin alpha, non-erythrocytic 1; plus strand). Cytogenetic location: 9q34.11.
Variant type: single nucleotide variant.
Coding change: c.1099C>T on transcript NM_001130438.3 (MANE Select); coding-DNA position 1099, C replaced by T.
Protein change: p.Leu367Phe; replaces leucine 367 with phenylalanine.
Molecular consequence: missense variant.
Genome position (GRCh38, 1-based): chr9:128,578,123, C>T. VCF-style: chr9-128578123-C-T. GRCh37 (hg19) VCF-style: chr9-131340402-C-T.
Other names: c.1099C>T, p.Leu367Phe (NM_001195532.2, NM_001363759.2, NM_001363765.2 and 5 more transcripts); c.1135C>T, p.Leu379Phe (NM_001375312.2, NM_001375318.1); short protein forms L367F, L379F.
Identifiers: ClinVar variation 1060551 (VCV001060551.10), dbSNP rs1851517179, ClinGen allele CA375051230.

ClinVar aggregate classification (germline): Uncertain significance (1 of 4 stars; one submission).

Conditions:
Early-infantile DEE. Also called: Ohtahara syndrome; Early infantile epileptic encephalopathy with suppression bursts; Early infantile epileptic encephalopathy. Identifiers: Orphanet 1934, MedGen C0393706, MONDO:0800491.

Allele frequency attached by ClinVar (database versions not stated): TOPMed below 0.00001.

Submission:

Labcorp Genetics (formerly Invitae), Labcorp
Classification: Uncertain significance for Early-infantile DEE. Last evaluated: 2023-04-24. Review status: criteria provided, single submitter. Criteria: Invitae Variant Classification Sherloc (09022015). Collection method: clinical testing. Allele origin: germline.
Comment: This variant is not present in population databases (gnomAD no frequency). This sequence change replaces leucine, which is neutral and non-polar, with phenylalanine, which is neutral and non-polar, at codon 367 of the SPTAN1 protein (p.Leu367Phe). This variant has not been reported in the literature in individuals affected with SPTAN1-related conditions. In summary, the available evidence is currently insufficient to determine the role of this variant in disease. Therefore, it has been classified as a Variant of Uncertain Significance. Advanced modeling of protein sequence and biophysical properties (such as structural, functional, and spatial information, amino acid conservation, physicochemical variation, residue mobility, and thermodynamic stability) has been performed at Invitae for this missense variant, however the output from this modeling did not meet the statistical confidence thresholds required to predict the impact of this variant on SPTAN1 protein function. ClinVar contains an entry for this variant (Variation ID: 1060551).